The following is an entry in ClinVar:

ClinVar aggregate classification (germline): Uncertain significance. Review status: criteria provided, multiple submitters, no conflicts (2 of 4 stars). 2 submissions from 2 submitters: Uncertain significance (2). Last evaluated 2025-05-14.

Conditions:
Hereditary cancer-predisposing syndrome. Also called: Tumor predisposition; Hereditary neoplastic syndrome; Neoplastic Syndromes, Hereditary; Hereditary Cancer Syndrome. Identifiers: Orphanet 140162, MedGen C0027672, MeSH D009386, MONDO:0015356.
Bloom syndrome (BLM). Also called: Bloom-Torre-Machacek syndrome. Identifiers: Orphanet 125, MedGen C0005859, MONDO:0008876, OMIM 210900.

Allele frequency attached by ClinVar (database versions not stated): ExAC 0.00001; gnomAD 0.00001.
gnomAD v4.1: 4 of 1,563,600 alleles (0.00026%); highest among the groups gnomAD compares: East Asian, 0.0022%; no homozygotes.

Submissions (2):

Labcorp Genetics (formerly Invitae), Labcorp
Classification: Uncertain significance for Bloom syndrome. Last evaluated: 2025-05-14. Review status: criteria provided, single submitter. Criteria: Invitae Variant Classification Sherloc (09022015). Collection method: clinical testing. Allele origin: germline.
Comment: This sequence change replaces isoleucine, which is neutral and non-polar, with leucine, which is neutral and non-polar, at codon 570 of the BLM protein (p.Ile570Leu). This variant is present in population databases (rs775758928, gnomAD 0.006%). This variant has not been reported in the literature in individuals affected with BLM-related conditions. ClinVar contains an entry for this variant (Variation ID: 665318). Invitae Evidence Modeling of protein sequence and biophysical properties (such as structural, functional, and spatial information, amino acid conservation, physicochemical variation, residue mobility, and thermodynamic stability) indicates that this missense variant is not expected to disrupt BLM protein function with a negative predictive value of 80%. In summary, the available evidence is currently insufficient to determine the role of this variant in disease. Therefore, it has been classified as a Variant of Uncertain Significance.

Ambry Genetics
Classification: Uncertain significance for Hereditary cancer-predisposing syndrome. Last evaluated: 2024-03-15. Review status: criteria provided, single submitter. Criteria: Ambry Variant Classification Scheme 2023. Collection method: clinical testing. Allele origin: germline.
Comment: The p.I570L variant (also known as c.1708A>T), located in coding exon 6 of the BLM gene, results from an A to T substitution at nucleotide position 1708. The isoleucine at codon 570 is replaced by leucine, an amino acid with highly similar properties. This amino acid position is conserved. In addition, this alteration is predicted to be tolerated by in silico analysis. Since supporting evidence is limited at this time, the clinical significance of this alteration remains unclear.

NM_000057.4(BLM):c.1708A>T (p.Ile570Leu)

Gene: BLM (BLM RecQ like helicase; plus strand). Cytogenetic location: 15q26.1.
Variant type: single nucleotide variant.
Coding change: c.1708A>T on transcript NM_000057.4 (MANE Select); coding-DNA position 1708, A replaced by T.
Protein change: p.Ile570Leu; replaces isoleucine 570 with leucine.
Molecular consequence: missense variant.
Genome position (GRCh38, 1-based): chr15:90,761,081, A>T. VCF-style: chr15-90761081-A-T. GRCh37 (hg19) VCF-style: chr15-91304311-A-T.
Other names: c.1708A>T, p.Ile570Leu (NM_001287246.2, NM_001287247.2); c.583A>T, p.Ile195Leu (NM_001287248.2); short protein forms I195L, I570L.
Identifiers: ClinVar variation 665318 (VCV000665318.12), dbSNP rs775758928, ClinGen allele CA7738575.